The following is an entry in ClinVar:

NM_006648.4(WNK2):c.5585G>T (p.Gly1862Val)

Gene: WNK2 (WNK lysine deficient protein kinase 2; plus strand). Cytogenetic location: 9q22.31.
Variant type: single nucleotide variant.
Coding change: c.5585G>T on transcript NM_006648.4 (MANE Select); coding-DNA position 5585, G replaced by T.
Protein change: p.Gly1862Val; replaces glycine 1862 with valine.
Molecular consequence: missense variant.
Genome position (GRCh38, 1-based): chr9:93,293,050, G>T. VCF-style: chr9-93293050-G-T. GRCh37 (hg19) VCF-style: chr9-96055332-G-T.
Other names: c.5696G>T, p.Gly1899Val (NM_001282394.3); short protein forms G1862V, G1899V.
Identifiers: ClinVar variation 4605330 (VCV004605330.1).

ClinVar aggregate classification (germline): Uncertain significance (1 of 4 stars; one submission).

Submission:

Ambry Genetics
Classification: Uncertain significance. Last evaluated: 2025-11-02. Review status: criteria provided, single submitter. Criteria: Ambry Variant Classification Scheme 2023. Collection method: clinical testing. Allele origin: germline.
Comment: The p.G1862V variant (also known as c.5585G>T), located in coding exon 22 of the WNK2 gene, results from a G to T substitution at nucleotide position 5585. The glycine at codon 1862 is replaced by valine, an amino acid with dissimilar properties. This amino acid position is conserved. In addition, this alteration is predicted to be tolerated by in silico analysis. Based on the available evidence, the clinical significance of this variant remains unclear.